The following is an entry in ClinVar:

ClinVar aggregate classification (germline): Pathogenic (1 of 4 stars; one submission).

Conditions:
Hypertrophic cardiomyopathy. Also called: HYPERTROPHIC MYOCARDIOPATHY. Identifiers: Orphanet 217569, MedGen C0007194, MeSH D002312, MONDO:0005045, HP:0001639.

Submission:

Labcorp Genetics (formerly Invitae), Labcorp
Classification: Pathogenic for Hypertrophic cardiomyopathy. Last evaluated: 2025-09-19. Review status: criteria provided, single submitter. Criteria: Invitae Variant Classification Sherloc (09022015). Collection method: clinical testing. Allele origin: germline.
Comment: This sequence change creates a premature translational stop signal (p.Gln642Argfs*21) in the MYBPC3 gene. It is expected to result in an absent or disrupted protein product. Loss-of-function variants in MYBPC3 are known to be pathogenic (PMID: 19574547). This variant is not present in population databases (gnomAD no frequency). This variant has not been reported in the literature in individuals affected with MYBPC3-related conditions. For these reasons, this variant has been classified as Pathogenic.

Literature cited by the submitters: PubMed 19574547.

NM_000256.3(MYBPC3):c.1924del (p.Gln642fs)

Gene: MYBPC3 (myosin binding protein C3; minus strand). Cytogenetic location: 11p11.2.
Variant type: Deletion.
Coding change: c.1924del on transcript NM_000256.3 (MANE Select); coding-DNA position 1924, one base deleted (C; older notation c.1924delC).
Protein change: p.Gln642fs; shifts the reading frame from glutamine 642.
Molecular consequence: frameshift variant.
Genome position (GRCh38, 1-based): chr11:47,341,006, G deleted on the plus strand (C on the coding strand, the reverse complement: MYBPC3 is on the minus strand). VCF-style (leftmost placement, unchanged base first): chr11-47341005-TG-T. GRCh37 (hg19) VCF-style: chr11-47362556-TG-T.
Other names: short protein forms Q642fs.
Identifiers: ClinVar variation 4778078 (VCV004778078.1).